The following is an entry in ClinVar:

NM_000455.5(STK11):c.1119A>G (p.Pro373=)

Gene: STK11 (serine/threonine kinase 11; plus strand). Cytogenetic location: 19p13.3.
Variant type: single nucleotide variant.
Coding change: c.1119A>G on transcript NM_000455.5 (MANE Select); coding-DNA position 1119, A replaced by G.
Protein change: p.Pro373=; no amino-acid change (proline 373 retained).
Molecular consequence: synonymous variant.
Genome position (GRCh38, 1-based): chr19:1,226,464, A>G. VCF-style: chr19-1226464-A-G. GRCh37 (hg19) VCF-style: chr19-1226463-A-G.
Identifiers: ClinVar variation 1332546 (VCV001332546.6), dbSNP rs2145435840, ClinGen allele CA504708360.
Genomic context (GRCh38, chr19:1,226,464, plus strand): 5'-TCTGGGGTTGCGCCCCTCAGCTCAGGCCACACTTGCCGTCTCCCTCCCAGGACAGGTCCC[A>G]GAAGAGGAGGCCAGTCACAATGGACAGCGCCGGGGCCTCCCCAAGGCCGTGTGTATGAAC-3'
Protein context (NP_000446.1, residues 363-383): TQDFTVPGQV[Pro373=]EEEASHNGQR

ClinVar aggregate classification (germline): Benign/Likely benign. Review status: criteria provided, multiple submitters, no conflicts (2 of 4 stars). 4 submissions from 4 submitters: Benign (1); Likely benign (3). Last evaluated 2025-10-19.

Conditions:
Hereditary cancer-predisposing syndrome. Also called: Hereditary Cancer Syndrome; Hereditary neoplastic syndrome; Neoplastic Syndromes, Hereditary; Tumor predisposition. Identifiers: Orphanet 140162, MedGen C0027672, MeSH D009386, MONDO:0015356.
Peutz-Jeghers syndrome (PJS). Also called: POLYPOSIS, HAMARTOMATOUS INTESTINAL; POLYPS-AND-SPOTS SYNDROME; Peutz-Jeghers polyposis; Periorificial lentiginosis syndrome. Identifiers: Orphanet 2869, MedGen C0031269, MeSH D010580, MONDO:0008280, OMIM 175200.

Submissions (4):

Labcorp Genetics (formerly Invitae), Labcorp
Classification: Likely benign for Peutz-Jeghers syndrome. Last evaluated: 2025-10-19. Review status: criteria provided, single submitter. Criteria: Invitae Variant Classification Sherloc (09022015). Collection method: clinical testing. Allele origin: germline.

Myriad Genetics, Inc.
Classification: Benign for Peutz-Jeghers syndrome. Last evaluated: 2025-03-28. Review status: criteria provided, single submitter. Criteria: Myriad Autosomal Dominant, Autosomal Recessive and X-Linked Classification Criteria (2023). Collection method: clinical testing. Allele origin: unknown.
Comment: This variant is considered benign. This variant is a silent/synonymous amino acid change and it is not expected to impact splicing.

Ambry Genetics
Classification: Likely benign for Hereditary cancer-predisposing syndrome. Last evaluated: 2022-01-20. Review status: criteria provided, single submitter. Criteria: Ambry Variant Classification Scheme 2023. Collection method: clinical testing. Allele origin: germline.

Color Diagnostics, LLC DBA Color Health
Classification: Likely benign for Hereditary cancer-predisposing syndrome. Last evaluated: 2021-03-22. Review status: criteria provided, single submitter. Criteria: ACMG Guidelines, 2015. Collection method: clinical testing. Allele origin: germline.